The following is an entry in ClinVar:

ClinVar aggregate classification (germline): Benign/Likely benign. Review status: criteria provided, multiple submitters, no conflicts (2 of 4 stars). 2 submissions from 2 submitters: Benign (1); Likely benign (1). Last evaluated 2025-11-10.

Conditions:
RAI1-related disorder. Also called: RAI1-related condition.

Allele frequency attached by ClinVar (database versions not stated): gnomAD exomes 0.00002 and 0.00003; ExAC 0.00003; TOPMed 0.00003; ESP Exome Variant Server 0.00008.
gnomAD v4.1: 36 of 1,613,870 alleles (0.0022%); highest among the groups gnomAD compares: East Asian, 0.0067%; no homozygotes.

Submissions (2):

PreventionGenetics, part of Exact Sciences
Classification: Likely benign for RAI1-related condition. Last evaluated: 2025-11-10. Review status: criteria provided, single submitter. Criteria: ACMG Guidelines, 2015. Collection method: clinical testing. Allele origin: germline.
Comment: This variant is classified as likely benign based on ACMG/AMP sequence variant interpretation guidelines (Richards et al. 2015 PMID: 25741868, with internal and published modifications).

Labcorp Genetics (formerly Invitae), Labcorp
Classification: Benign. Last evaluated: 2024-11-11. Review status: criteria provided, single submitter. Criteria: Invitae Variant Classification Sherloc (09022015). Collection method: clinical testing. Allele origin: germline.

NM_030665.4(RAI1):c.1150G>A (p.Ala384Thr)

Gene: RAI1 (retinoic acid induced 1; plus strand). Cytogenetic location: 17p11.2.
Variant type: single nucleotide variant.
Coding change: c.1150G>A on transcript NM_030665.4 (MANE Select); coding-DNA position 1150, G replaced by A.
Protein change: p.Ala384Thr; replaces alanine 384 with threonine.
Molecular consequence: missense variant.
Genome position (GRCh38, 1-based): chr17:17,794,098, G>A. VCF-style: chr17-17794098-G-A. GRCh37 (hg19) VCF-style: chr17-17697412-G-A.
Other names: c.1150G>A (NM_030665.3); short protein forms A384T.
Identifiers: ClinVar variation 1600388 (VCV001600388.11), dbSNP rs377731841, ClinGen allele CA8418281.